The following is an entry in ClinVar:

ClinVar aggregate classification (germline): Uncertain significance (1 of 4 stars; one submission).

Allele frequency attached by ClinVar (database versions not stated): gnomAD exomes below 0.00001; TOPMed below 0.00001; gnomAD 0.00001.

Submission:

GeneDx
Classification: Uncertain significance. Last evaluated: 2023-04-02. Review status: criteria provided, single submitter. Criteria: GeneDx Variant Classification Process June 2021. Collection method: clinical testing. Allele origin: germline. Affected: yes.
Comment: Not observed at significant frequency in large population cohorts (gnomAD); In silico analysis supports that this missense variant has a deleterious effect on protein structure/function; Has not been previously published as pathogenic or benign to our knowledge

NM_005559.4(LAMA1):c.4624T>A (p.Cys1542Ser)

Gene: LAMA1 (laminin subunit alpha 1; minus strand). Cytogenetic location: 18p11.31.
Variant type: single nucleotide variant.
Coding change: c.4624T>A on transcript NM_005559.4 (MANE Select); coding-DNA position 4624, T replaced by A.
Protein change: p.Cys1542Ser; replaces cysteine 1542 with serine.
Molecular consequence: missense variant.
Genome position (GRCh38, 1-based): chr18:6,999,484, A>T on the plus strand (T>A on the coding strand, the complement: LAMA1 is on the minus strand). VCF-style: chr18-6999484-A-T. GRCh37 (hg19) VCF-style: chr18-6999483-A-T.
Other names: short protein forms C1542S.
Identifiers: ClinVar variation 2581874 (VCV002581874.1), dbSNP rs2057797579, ClinGen allele CA401846424.
Genomic context (GRCh38, chr18:6,999,484, plus strand): 5'-ATTTAGAGGAGAAATACTCACAAACACAATCTGTTTCCATCAGAATGTGCCTCGGTTCAC[A>T]CTCATCGCACCGGAGCCCCGAGGCCCCCAGCCTGCAAACGCACTGCCCAGATGTGCGGTC-3'
Protein context (NP_005550.2, residues 1532-1552): LGASGLRCDE[Cys1542Ser]EPRHILMETD